The following is an entry in ClinVar:

NM_000179.3(MSH6):c.2636C>T (p.Ala879Val)

Gene: MSH6 (mutS homolog 6; plus strand). Cytogenetic location: 2p16.3.
Variant type: single nucleotide variant.
Coding change: c.2636C>T on transcript NM_000179.3 (MANE Select); coding-DNA position 2636, C replaced by T.
Protein change: p.Ala879Val; replaces alanine 879 with valine.
Molecular consequence: missense variant. On other transcripts: non-coding transcript variant (5), intron variant (3).
Genome position (GRCh38, 1-based): chr2:47,800,619, C>T. VCF-style: chr2-47800619-C-T. GRCh37 (hg19) VCF-style: chr2-48027758-C-T.
Other names: c.2246C>T, p.Ala749Val (NM_001281492.2); c.1730C>T, p.Ala577Val (NM_001281493.2, NM_001281494.2, NM_001406811.1 and 6 more transcripts); c.2732C>T, p.Ala911Val (NM_001406795.1, NM_001406802.1); c.2636C>T, p.Ala879Val (NM_001406796.1, NM_001406798.1, NM_001406800.1 and 2 more transcripts); c.2339C>T, p.Ala780Val (NM_001406797.1, NM_001406801.1, NM_001406805.1 and 10 more transcripts); c.2111C>T, p.Ala704Val (NM_001406799.1, NM_001406806.1, NM_001406807.1); c.2558C>T, p.Ala853Val (NM_001406804.1); c.2642C>T, p.Ala881Val (NM_001406813.1); and 4 more; short protein forms A780V, A823V, A881V, A853V, A911V, A577V, A704V, A749V.
Identifiers: ClinVar variation 2883387 (VCV002883387.5), dbSNP rs1558666061, ClinGen allele CA346755097.

ClinVar aggregate classification (germline): Conflicting classifications of pathogenicity. Review status: criteria provided, conflicting classifications (1 of 4 stars). 3 submissions from 3 submitters: Uncertain significance (2); Likely benign (1). Last evaluated 2025-08-26.

Conditions:
Hereditary nonpolyposis colorectal neoplasms. Identifiers: MedGen C0009405, MeSH D003123.
Hereditary cancer-predisposing syndrome. Also called: Hereditary Cancer Syndrome; Hereditary neoplastic syndrome; Tumor predisposition; Neoplastic Syndromes, Hereditary. Identifiers: Orphanet 140162, MedGen C0027672, MeSH D009386, MONDO:0015356.

Submissions (3):

Ambry Genetics
Classification: Likely benign for Hereditary cancer-predisposing syndrome. Last evaluated: 2025-08-26. Review status: criteria provided, single submitter. Criteria: Ambry Variant Classification Scheme 2023. Collection method: clinical testing. Allele origin: germline.

Color Diagnostics, LLC DBA Color Health
Classification: Uncertain significance for Hereditary cancer-predisposing syndrome. Last evaluated: 2025-02-16. Review status: criteria provided, single submitter. Criteria: ACMG Guidelines, 2015. Collection method: clinical testing. Allele origin: germline.
Comment: This missense variant replaces alanine with valine at codon 879 of the MSH6 protein. Computational prediction suggests that this variant may not impact protein structure and function (internally defined REVEL score threshold <= 0.5, PMID: 27666373). To our knowledge, functional studies have not been reported for this variant. This variant has not been reported in individuals affected with MSH6-related disorders in the literature. This variant has not been identified in the general population by the Genome Aggregation Database (gnomAD). The available evidence is insufficient to determine the role of this variant in disease conclusively. Therefore, this variant is classified as a Variant of Uncertain Significance.

Labcorp Genetics (formerly Invitae), Labcorp
Classification: Uncertain significance for Hereditary nonpolyposis colorectal neoplasms. Last evaluated: 2023-08-22. Review status: criteria provided, single submitter. Criteria: Invitae Variant Classification Sherloc (09022015). Collection method: clinical testing. Allele origin: germline.
Comment: In summary, the available evidence is currently insufficient to determine the role of this variant in disease. Therefore, it has been classified as a Variant of Uncertain Significance. Advanced modeling of protein sequence and biophysical properties (such as structural, functional, and spatial information, amino acid conservation, physicochemical variation, residue mobility, and thermodynamic stability) performed at Invitae indicates that this missense variant is not expected to disrupt MSH6 protein function. This variant has not been reported in the literature in individuals affected with MSH6-related conditions. This variant is not present in population databases (gnomAD no frequency). This sequence change replaces alanine, which is neutral and non-polar, with valine, which is neutral and non-polar, at codon 879 of the MSH6 protein (p.Ala879Val).